The following is an entry in ClinVar:

NM_001256715.2(DNAAF3):c.-14G>A

Genes: DNAAF3 (dynein axonemal assembly factor 3; minus strand), DNAAF3-AS1 (DNAAF3 antisense RNA 1; plus strand). Cytogenetic location: 19q13.42.
Variant type: single nucleotide variant.
Coding change: c.-14G>A on transcript NM_001256715.2 (MANE Select); 14 bases upstream of the start codon, G replaced by A.
Molecular consequence: 5 prime UTR variant. On other transcripts: nonsense (2).
Genome position (GRCh38, 1-based): chr19:55,166,532, C>T on the plus strand (G>A on the coding strand, the complement: DNAAF3 is on the minus strand). VCF-style: chr19-55166532-C-T. GRCh37 (hg19) VCF-style: chr19-55677900-C-T.
Other names: c.117G>A, p.Trp39Ter (NM_001256714.1, NM_178837.4); c.-263G>A (NM_001256716.2); short protein forms W39*.
Identifiers: ClinVar variation 4768427 (VCV004768427.1).

ClinVar aggregate classification (germline): Pathogenic (1 of 4 stars; one submission).

Conditions:
Primary ciliary dyskinesia. Also called: Ciliary dyskinesia. Identifiers: Orphanet 244, MedGen C0008780, MONDO:0016575, HP:0012265.

gnomAD v4.1: 1 of 1,614,196 alleles (0.000062%); highest among the groups gnomAD compares: African/African-American, 0.0013%; no homozygotes.

Submission:

Labcorp Genetics (formerly Invitae), Labcorp
Classification: Pathogenic for Primary ciliary dyskinesia. Last evaluated: 2025-11-23. Review status: criteria provided, single submitter. Criteria: Invitae Variant Classification Sherloc (09022015). Collection method: clinical testing. Allele origin: germline.
Comment: This sequence change creates a premature translational stop signal (p.Trp39*) in the DNAAF3 gene. It is expected to result in an absent or disrupted protein product. Loss-of-function variants in DNAAF3 are known to be pathogenic (PMID: 22387996). This variant is not present in population databases (gnomAD no frequency). This variant has not been reported in the literature in individuals affected with DNAAF3-related conditions. For these reasons, this variant has been classified as Pathogenic.

Literature cited by the submitters: PubMed 22387996.